The following is an entry in ClinVar:

ClinVar aggregate classification (germline): Uncertain significance (1 of 4 stars; one submission).

Submission:

Labcorp Genetics (formerly Invitae), Labcorp
Classification: Uncertain significance. Last evaluated: 2024-07-23. Review status: criteria provided, single submitter. Criteria: Invitae Variant Classification Sherloc (09022015). Collection method: clinical testing. Allele origin: germline.
Comment: This sequence change replaces serine, which is neutral and polar, with threonine, which is neutral and polar, at codon 1079 of the SLC12A6 protein (p.Ser1079Thr). This variant is not present in population databases (gnomAD no frequency). This variant has not been reported in the literature in individuals affected with SLC12A6-related conditions. Advanced modeling of protein sequence and biophysical properties (such as structural, functional, and spatial information, amino acid conservation, physicochemical variation, residue mobility, and thermodynamic stability) performed at Invitae indicates that this missense variant is not expected to disrupt SLC12A6 protein function with a negative predictive value of 95%. In summary, the available evidence is currently insufficient to determine the role of this variant in disease. Therefore, it has been classified as a Variant of Uncertain Significance.

NM_001365088.1(SLC12A6):c.3235T>A (p.Ser1079Thr)

Gene: SLC12A6 (solute carrier family 12 member 6; minus strand). Cytogenetic location: 15q14.
Variant type: single nucleotide variant.
Coding change: c.3235T>A on transcript NM_001365088.1 (MANE Select); coding-DNA position 3235, T replaced by A.
Protein change: p.Ser1079Thr; replaces serine 1079 with threonine.
Molecular consequence: missense variant.
Genome position (GRCh38, 1-based): chr15:34,235,307, A>T on the plus strand (T>A on the coding strand, the complement: SLC12A6 is on the minus strand). VCF-style: chr15-34235307-A-T. GRCh37 (hg19) VCF-style: chr15-34527508-A-T.
Other names: c.3058T>A, p.Ser1020Thr (NM_001042494.2, NM_001042495.2); c.3208T>A, p.Ser1070Thr (NM_001042496.2); c.3190T>A, p.Ser1064Thr (NM_001042497.2); c.3082T>A, p.Ser1028Thr (NM_005135.2); c.3235T>A, p.Ser1079Thr (NM_133647.2); short protein forms S1028T, S1020T, S1070T, S1079T, S1064T.
Identifiers: ClinVar variation 3686136 (VCV003686136.2).